The following is an entry in ClinVar:

NM_000032.5(ALAS2):c.1618_1630del (p.Trp540fs)

Gene: ALAS2 (5'-aminolevulinate synthase 2; minus strand). Cytogenetic location: Xp11.21.
Variant type: Deletion.
Coding change: c.1618_1630del on transcript NM_000032.5 (MANE Select); coding-DNA positions 1618 to 1630, 13 bases deleted (TGGACTGCGGTGG).
Protein change: p.Trp540fs; shifts the reading frame from tryptophan 540.
Molecular consequence: frameshift variant.
Genome position (GRCh38, 1-based): chrX:55,009,314-55,009,326, CCACCGCAGTCCA deleted on the plus strand (TGGACTGCGGTGG on the coding strand, the reverse complement: ALAS2 is on the minus strand). VCF-style (leftmost placement, unchanged base first): chrX-55009313-CCCACCGCAGTCCA-C. GRCh37 (hg19) VCF-style: chrX-55035746-CCCACCGCAGTCCA-C.
Other names: c.1507_1519del, p.Trp503fs (NM_001037967.4); c.1579_1591del, p.Trp527fs (NM_001037968.4); short protein forms W503fs, W527fs, W540fs.
Identifiers: ClinVar variation 4535035 (VCV004535035.6).

ClinVar aggregate classification (germline): Likely pathogenic (1 of 4 stars; one submission).

Submission:

CeGaT Center for Human Genetics Tuebingen
Classification: Likely pathogenic. Last evaluated: 2026-08-01. Review status: criteria provided, single submitter. Criteria: CeGaT Center For Human Genetics Tuebingen Variant Classification Criteria Version 2. Collection method: clinical testing. Allele origin: germline. Affected: yes. Observed: 3 variant alleles.
Comment: ALAS2: PVS1:Strong, PM2